The following is an entry in ClinVar:

ClinVar aggregate classification (germline): Pathogenic. Review status: criteria provided, multiple submitters, no conflicts (2 of 4 stars). 3 submissions from 3 submitters: Pathogenic (3). Last evaluated 2022-03-15.

Conditions:
Neurofibromatosis, type 1 (NF1). Also called: Neurofibromatosis, type I; VON RECKLINGHAUSEN DISEASE; NEUROFIBROMATOSIS, TYPE I, SOMATIC; Peripheral type neurofibromatosis. Identifiers: Orphanet 636, MedGen C0027831, MONDO:0018975, OMIM 162200. Disease mechanism: loss of function.

Submissions (3):

Genome-Nilou Lab
Classification: Pathogenic for Neurofibromatosis, type 1. Last evaluated: 2022-03-15. Review status: criteria provided, single submitter. Criteria: ACMG Guidelines, 2015. Collection method: clinical testing. Allele origin: germline. Affected: no.

Labcorp Genetics (formerly Invitae), Labcorp
Classification: Pathogenic for Neurofibromatosis, type 1. Last evaluated: 2021-01-30. Review status: criteria provided, single submitter. Criteria: Invitae Variant Classification Sherloc (09022015). Collection method: clinical testing. Allele origin: germline.
Comment: For these reasons, this variant has been classified as Pathogenic. This variant has not been reported in the literature in individuals with NF1-related conditions. This variant is not present in population databases (ExAC no frequency). This sequence change creates a premature translational stop signal (p.Ser2494Ilefs*8) in the NF1 gene. It is expected to result in an absent or disrupted protein product. Loss-of-function variants in NF1 are known to be pathogenic (PMID: 10712197, 23913538).

Genome Diagnostics Laboratory, The Hospital for Sick Children
Classification: Pathogenic for Neurofibromatosis, type 1. Last evaluated: 2020-10-26. Review status: criteria provided, single submitter. Criteria: ACMG Guidelines, 2015. Collection method: clinical testing. Allele origin: germline. Affected: yes.

Literature cited by the submitters: PubMed 10712197 (cited by Labcorp Genetics (formerly Invitae), Labcorp); PubMed 23913538 (cited by Labcorp Genetics (formerly Invitae), Labcorp).

NM_001042492.3(NF1):c.7544del (p.Ser2515fs)

Gene: NF1 (neurofibromin 1; plus strand). Cytogenetic location: 17q11.2.
Variant type: Deletion.
Coding change: c.7544del on transcript NM_001042492.3 (MANE Select); coding-DNA position 7544, one base deleted (G; older notation c.7544delG).
Protein change: p.Ser2515fs; shifts the reading frame from serine 2515.
Molecular consequence: frameshift variant.
Genome position (GRCh38, 1-based): chr17:31,352,343, G deleted. VCF-style (leftmost placement, unchanged base first): chr17-31352342-AG-A. GRCh37 (hg19) VCF-style: chr17-29679360-AG-A.
Other names: c.7481delG (NM_000267.3); c.7481delG, p.Ser2494Ilefs (NM_000267.4); short protein forms S2494fs, S2515fs.
Identifiers: ClinVar variation 996436 (VCV000996436.9), dbSNP rs2070170648, ClinGen allele CA2255610074.